The following is an entry in ClinVar:

NM_004260.4(RECQL4):c.2690G>A (p.Cys897Tyr)

Gene: RECQL4 (RecQ like helicase 4; minus strand). Cytogenetic location: 8q24.3.
Variant type: single nucleotide variant.
Coding change: c.2690G>A on transcript NM_004260.4 (MANE Select); coding-DNA position 2690, G replaced by A.
Protein change: p.Cys897Tyr; replaces cysteine 897 with tyrosine.
Molecular consequence: missense variant.
Genome position (GRCh38, 1-based): chr8:144,512,912, C>T on the plus strand (G>A on the coding strand, the complement: RECQL4 is on the minus strand). VCF-style: chr8-144512912-C-T. GRCh37 (hg19) VCF-style: chr8-145738295-C-T.
Other names: c.2396G>A, p.Cys799Tyr (NM_001413017.1); c.2492G>A, p.Cys831Tyr (NM_001413018.1); c.2690G>A, p.Cys897Tyr (NM_001413019.1, NM_001413036.1); c.2594G>A, p.Cys865Tyr (NM_001413020.1); c.1619G>A, p.Cys540Tyr (NM_001413021.1, NM_001413022.1, NM_001413023.1 and 5 more transcripts); c.2561G>A, p.Cys854Tyr (NM_001413025.1); c.1553G>A, p.Cys518Tyr (NM_001413027.1, NM_001413030.1, NM_001413032.1 and 1 more transcripts); c.2339G>A, p.Cys780Tyr (NM_001413029.1); and 6 more; short protein forms C854Y, C496Y, C530Y, C799Y, C831Y, C474Y, C518Y, C540Y.
Identifiers: ClinVar variation 1943477 (VCV001943477.5), dbSNP rs1393217982, ClinGen allele CA372675207.

ClinVar aggregate classification (germline): Uncertain significance (1 of 4 stars; one submission).

Conditions:
Baller-Gerold syndrome (BGS). Also called: CRANIOSYNOSTOSIS WITH RADIAL DEFECTS. Identifiers: Orphanet 1225, MedGen C0265308, MONDO:0009039, OMIM 218600.

Submission:

Labcorp Genetics (formerly Invitae), Labcorp
Classification: Uncertain significance for Baller-Gerold syndrome. Last evaluated: 2023-08-28. Review status: criteria provided, single submitter. Criteria: Invitae Variant Classification Sherloc (09022015). Collection method: clinical testing. Allele origin: germline.
Comment: In summary, the available evidence is currently insufficient to determine the role of this variant in disease. Therefore, it has been classified as a Variant of Uncertain Significance. This sequence change replaces cysteine, which is neutral and slightly polar, with tyrosine, which is neutral and polar, at codon 897 of the RECQL4 protein (p.Cys897Tyr). This variant is not present in population databases (gnomAD no frequency). This variant has not been reported in the literature in individuals affected with RECQL4-related conditions. ClinVar contains an entry for this variant (Variation ID: 1943477). Advanced modeling of protein sequence and biophysical properties (such as structural, functional, and spatial information, amino acid conservation, physicochemical variation, residue mobility, and thermodynamic stability) performed at Invitae indicates that this missense variant is expected to disrupt RECQL4 protein function.